The following is an entry in ClinVar:

NM_001042492.3(NF1):c.1958C>G (p.Thr653Ser)

Gene: NF1 (neurofibromin 1; plus strand). Cytogenetic location: 17q11.2.
Variant type: single nucleotide variant.
Coding change: c.1958C>G on transcript NM_001042492.3 (MANE Select); coding-DNA position 1958, C replaced by G.
Protein change: p.Thr653Ser; replaces threonine 653 with serine.
Molecular consequence: missense variant.
Genome position (GRCh38, 1-based): chr17:31,225,207, C>G. VCF-style: chr17-31225207-C-G. GRCh37 (hg19) VCF-style: chr17-29552225-C-G.
Other names: c.1958C>G, p.Thr653Ser (NM_000267.4); short protein forms T653S.
Identifiers: ClinVar variation 3634505 (VCV003634505.3).

ClinVar aggregate classification (germline): Conflicting classifications of pathogenicity. Review status: criteria provided, conflicting classifications (1 of 4 stars). 2 submissions from 2 submitters: Uncertain significance (1); Likely benign (1). Last evaluated 2026-04-16.

Conditions:
Neurofibromatosis, type 1 (NF1). Also called: VON RECKLINGHAUSEN DISEASE; NEUROFIBROMATOSIS, TYPE I, SOMATIC; Peripheral type neurofibromatosis; Neurofibromatosis, type I. Identifiers: Orphanet 636, MedGen C0027831, MONDO:0018975, OMIM 162200. Disease mechanism: loss of function.
Cardiovascular phenotype. Identifiers: MedGen CN230736.
Hereditary cancer-predisposing syndrome. Also called: Hereditary neoplastic syndrome; Tumor predisposition; Hereditary Cancer Syndrome; Neoplastic Syndromes, Hereditary. Identifiers: Orphanet 140162, MedGen C0027672, MeSH D009386, MONDO:0015356.

Submissions (2):

Ambry Genetics
Classification: Likely benign for Cardiovascular phenotype; Hereditary cancer-predisposing syndrome. Last evaluated: 2026-04-16. Review status: criteria provided, single submitter. Criteria: Ambry Variant Classification Scheme 2023. Collection method: clinical testing. Allele origin: germline.

Labcorp Genetics (formerly Invitae), Labcorp
Classification: Uncertain significance for Neurofibromatosis, type 1. Last evaluated: 2024-10-12. Review status: criteria provided, single submitter. Criteria: Invitae Variant Classification Sherloc (09022015). Collection method: clinical testing. Allele origin: germline.
Comment: This sequence change replaces threonine, which is neutral and polar, with serine, which is neutral and polar, at codon 653 of the NF1 protein (p.Thr653Ser). This variant is not present in population databases (gnomAD no frequency). This variant has not been reported in the literature in individuals affected with NF1-related conditions. Invitae Evidence Modeling of protein sequence and biophysical properties (such as structural, functional, and spatial information, amino acid conservation, physicochemical variation, residue mobility, and thermodynamic stability) indicates that this missense variant is not expected to disrupt NF1 protein function with a negative predictive value of 95%. In summary, the available evidence is currently insufficient to determine the role of this variant in disease. Therefore, it has been classified as a Variant of Uncertain Significance.